The following is an entry in ClinVar:

NM_014140.4(SMARCAL1):c.2768G>A (p.Gly923Glu)

Gene: SMARCAL1 (SNF2 related chromatin remodeling annealing helicase 1; plus strand). Cytogenetic location: 2q35.
Variant type: single nucleotide variant.
Coding change: c.2768G>A on transcript NM_014140.4 (MANE Select); coding-DNA position 2768, G replaced by A.
Protein change: p.Gly923Glu; replaces glycine 923 with glutamic acid.
Molecular consequence: missense variant.
Genome position (GRCh38, 1-based): chr2:216,482,880, G>A. VCF-style: chr2-216482880-G-A. GRCh37 (hg19) VCF-style: chr2-217347603-G-A.
Other names: c.2768G>A, p.Gly923Glu (NM_001127207.2); short protein forms G923E.
Identifiers: ClinVar variation 571296 (VCV000571296.6), dbSNP rs1559140332, ClinGen allele CA350505436.
Genomic context (GRCh38, chr2:216,482,880, plus strand): 5'-CAGAGTCCTTTGACCCAGGAAGTGCTTCAGGAACATCTGGAAGTAGTTCCCAGAACATGG[G>A]AGACACCCTGGATGAAAGCTCATTGACAGCCAGTCCACAGAAGAAAAGGAGATTTGAATT-3'
Protein context (NP_054859.2, residues 913-933): GTSGSSSQNM[Gly923Glu]DTLDESSLTA

ClinVar aggregate classification (germline): Uncertain significance (1 of 4 stars; one submission).

Conditions:
Schimke immuno-osseous dysplasia (SIOD). Also called: Schimke Immunoosseous Dysplasia. Identifiers: Orphanet 1830, MedGen C0877024, MONDO:0009458, OMIM 242900.

Allele frequency attached by ClinVar (database versions not stated): gnomAD exomes below 0.00001.
gnomAD v4.1: 1 of 1,614,170 alleles (0.000062%); highest among the groups gnomAD compares: Admixed American, 0.0017%; no homozygotes.

Submission:

Labcorp Genetics (formerly Invitae), Labcorp
Classification: Uncertain significance for Schimke immuno-osseous dysplasia. Last evaluated: 2022-02-10. Review status: criteria provided, single submitter. Criteria: Invitae Variant Classification Sherloc (09022015). Collection method: clinical testing. Allele origin: germline.
Comment: This sequence change replaces glycine, which is neutral and non-polar, with glutamic acid, which is acidic and polar, at codon 923 of the SMARCAL1 protein (p.Gly923Glu). This variant is not present in population databases (gnomAD no frequency). This variant has not been reported in the literature in individuals affected with SMARCAL1-related conditions. ClinVar contains an entry for this variant (Variation ID: 571296). Algorithms developed to predict the effect of missense changes on protein structure and function output the following: SIFT: "Deleterious"; PolyPhen-2: "Benign"; Align-GVGD: "Class C0". The glutamic acid amino acid residue is found in multiple mammalian species, which suggests that this missense change does not adversely affect protein function. In summary, the available evidence is currently insufficient to determine the role of this variant in disease. Therefore, it has been classified as a Variant of Uncertain Significance.